The following is an entry in ClinVar:

ClinVar aggregate classification (germline): Pathogenic (1 of 4 stars; one submission).

gnomAD v4.1: 4 of 1,549,574 alleles (0.00026%); highest among the groups gnomAD compares: Non-Finnish European, 0.00035%; 1 homozygote.

Submission:

Labcorp Genetics (formerly Invitae), Labcorp
Classification: Pathogenic. Last evaluated: 2023-10-10. Review status: criteria provided, single submitter. Criteria: Invitae Variant Classification Sherloc (09022015). Collection method: clinical testing. Allele origin: germline.
Comment: This sequence change creates a premature translational stop signal (p.Trp2338*) in the EYS gene. It is expected to result in an absent or disrupted protein product. Loss-of-function variants in EYS are known to be pathogenic (PMID: 18836446, 20333770). This variant is not present in population databases (gnomAD no frequency). This variant has not been reported in the literature in individuals affected with EYS-related conditions. ClinVar contains an entry for this variant (Variation ID: 1072461). For these reasons, this variant has been classified as Pathogenic.

Literature cited by the submitters: PubMed 18836446; PubMed 20333770.

NM_001142800.2(EYS):c.7013G>A (p.Trp2338Ter)

Gene: EYS (EGF-like photoreceptor maintenance factor; minus strand). Cytogenetic location: 6q12.
Variant type: single nucleotide variant.
Coding change: c.7013G>A on transcript NM_001142800.2 (MANE Select); coding-DNA position 7013, G replaced by A.
Protein change: p.Trp2338Ter; replaces tryptophan 2338 with a stop codon.
Molecular consequence: nonsense.
Genome position (GRCh38, 1-based): chr6:63,984,425, C>T on the plus strand (G>A on the coding strand, the complement: EYS is on the minus strand). VCF-style: chr6-63984425-C-T. GRCh37 (hg19) VCF-style: chr6-64694318-C-T.
Other names: c.7013G>A, p.Trp2338Ter (NM_001292009.2); short protein forms W2338*.
Identifiers: ClinVar variation 1072461 (VCV001072461.7), dbSNP rs1231505438, ClinGen allele CA364388077.